The following is an entry in ClinVar:

NM_007294.4(BRCA1):c.1897C>T (p.Pro633Ser)

Gene: BRCA1 (BRCA1 DNA repair associated; minus strand). Cytogenetic location: 17q21.31.
Variant type: single nucleotide variant.
Coding change: c.1897C>T on transcript NM_007294.4 (MANE Select); coding-DNA position 1897, C replaced by T.
Protein change: p.Pro633Ser; replaces proline 633 with serine.
Molecular consequence: missense variant. On other transcripts: intron variant (137).
Genome position (GRCh38, 1-based): chr17:43,093,634, G>A on the plus strand (C>T on the coding strand, the complement: BRCA1 is on the minus strand). VCF-style: chr17-43093634-G-A. GRCh37 (hg19) VCF-style: chr17-41245651-G-A.
Other names: c.1756C>T, p.Pro586Ser (NM_001407727.1, NM_001407728.1, NM_001407729.1 and 29 more transcripts); c.1753C>T, p.Pro585Ser (NM_001407740.1, NM_001407741.1, NM_001407742.1 and 20 more transcripts); c.1684C>T, p.Pro562Ser (NM_001407853.1, NM_001407894.1, NM_001407895.1 and 9 more transcripts); c.1897C>T, p.Pro633Ser (NM_001407854.1, NM_001407858.1, NM_001407859.1 and 30 more transcripts); c.1894C>T, p.Pro632Ser (NM_001407860.1, NM_001407861.1, NM_001407587.1 and 22 more transcripts); c.1696C>T, p.Pro566Ser (NM_001407862.1); c.1774C>T, p.Pro592Ser (NM_001407863.1, NM_001407919.1, NM_001407937.1 and 19 more transcripts); c.1693C>T, p.Pro565Ser (NM_001407874.1, NM_001407875.1); and 40 more; short protein forms P633S, P586S, P505S, P506S, P565S, P585S, P592S, P522S.
Identifiers: ClinVar variation 54387 (VCV000054387.36), dbSNP rs80356902, ClinGen allele CA001237.

ClinVar aggregate classification (germline): Conflicting classifications of pathogenicity. Review status: criteria provided, conflicting classifications (1 of 4 stars). 14 submissions from 14 submitters: Uncertain significance (6); Likely benign (3). 5 of the submissions do not count toward it. Last evaluated 2025-12-23.

Conditions:
BRCA1-related disorder. Also called: BRCA1-related condition.
BRCA1-related cancer predisposition. Identifiers: MedGen CN377757, MONDO:0700268.
Hereditary cancer-predisposing syndrome. Also called: Tumor predisposition; Neoplastic Syndromes, Hereditary; Hereditary Cancer Syndrome; Hereditary neoplastic syndrome. Identifiers: Orphanet 140162, MedGen C0027672, MeSH D009386, MONDO:0015356.
Hereditary breast ovarian cancer syndrome. Also called: Hereditary breast and ovarian cancer syndrome (HBOC); Hereditary breast and ovarian cancer syndrome; Hereditary breast and ovarian cancer; Hereditary breast and/or ovarian cancer syndrome; Breast and ovarian cancer; BRCA1- and BRCA2-Associated Hereditary Breast and Ovarian Cancer. Identifiers: Orphanet 145, MedGen C0677776, MeSH D061325, MONDO:0003582. Disease mechanism: loss of function.
Breast-ovarian cancer, familial, susceptibility to, 1 (BROVCA1). Also called: OVARIAN CANCER, SUSCEPTIBILITY TO; BRCA1 Hereditary Breast and Ovarian Cancer. Identifiers: Orphanet 145, MedGen C2676676, MONDO:0011450, OMIM 604370. Disease mechanism: loss of function.

Allele frequency attached by ClinVar (database versions not stated): gnomAD 0.00001; TOPMed 0.00001; gnomAD exomes 0.00002.

Submissions (14):

Labcorp Genetics (formerly Invitae), Labcorp
Classification: Likely benign for Hereditary breast ovarian cancer syndrome. Last evaluated: 2025-12-23. Review status: criteria provided, single submitter. Criteria: Invitae Variant Classification Sherloc (09022015). Collection method: clinical testing. Allele origin: germline.

Women's Health and Genetics/Laboratory Corporation of America, LabCorp
Classification: Uncertain significance. Last evaluated: 2025-11-03. Review status: criteria provided, single submitter. Criteria: LabCorp Variant Classification Summary - May 2015. Collection method: clinical testing. Allele origin: germline.
Comment: Variant summary: BRCA1 c.1897C>T (p.Pro633Ser) results in a non-conservative amino acid change in the encoded protein sequence. Algorithms developed to predict the effect of missense changes on protein structure and function are either unavailable or do not agree on the potential impact of this missense change. The variant was absent in 251100 control chromosomes. The available data on variant occurrences in the general population are insufficient to allow any conclusion about variant significance. At least one publication reports experimental evidence evaluating an impact on protein function (Bouwman_2020). These results showed no damaging effect of this variant on ability to complement BRCA1-deficient mouse embryonic stem cells in homologous recombination DNA repair (HRR) using cisplatin and olaparib sensitivity assays and a direct GFP HRR assay. The following publication have been ascertained in the context of this evaluation (PMID: 32546644). ClinVar contains an entry for this variant (Variation ID: 54387). Based on the evidence outlined above, the variant was classified as uncertain significance.

Color Diagnostics, LLC DBA Color Health
Classification: Likely benign for Hereditary cancer-predisposing syndrome. Last evaluated: 2025-08-27. Review status: criteria provided, single submitter. Criteria: ACMG Guidelines, 2015. Collection method: clinical testing. Allele origin: germline.

Quest Diagnostics Nichols Institute San Juan Capistrano
Classification: Uncertain significance. Last evaluated: 2025-08-05. Review status: criteria provided, single submitter. Criteria: Quest Diagnostics criteria. Collection method: clinical testing. Allele origin: unknown.
Comment: The BRCA1 c.1897C>T (p.Pro633Ser) variant has been reported in an individual with a personal or family history of breast/ovarian cancer (PMID: 16267036 (2005)). It has also been reported in an individual with breast cancer and in a reportedly unaffected individual in a breast cancer association study (PMID: 33471991 (2021), see also LOVD). This variant has not been reported in large, multi-ethnic general populations (Genome Aggregation Database). Analysis of this variant using bioinformatics tools for the prediction of the effect of amino acid changes on protein structure and function yielded conflicting predictions that this variant is benign or damaging. Based on the available information, we are unable to determine the clinical significance of this variant.

All of Us Research Program, National Institutes of Health
Classification: Uncertain significance for BRCA1-related cancer predisposition. Last evaluated: 2024-08-06. Review status: criteria provided, single submitter. Criteria: ACMG Guidelines, 2015. Collection method: clinical testing. Allele origin: germline. Inheritance: Autosomal dominant inheritance. Observed: 9 variant alleles, 9 heterozygotes.
Comment: This missense variant replaces proline with serine at codon 633 of the BRCA1 protein. Computational prediction suggests that this variant may not impact protein structure and function (internally defined REVEL score threshold <= 0.5, PMID: 27666373). To our knowledge, functional studies have not been reported for this variant. This variant has been detected in a breast cancer case-control meta-analysis in 1/60466 cases and 1/53461 unaffected individuals (PMID: 33471991; Leiden Open Variation Database DB-ID BRCA1_001026). A multifactorial analysis has reported likelihood ratios of pathogenicity based on co-occurrence with a pathogenic covariant and family history of 1.102 and 0.458, respectively (PMID: 31131967). This variant has not been identified in the general population by the Genome Aggregation Database (gnomAD). The available evidence is insufficient to determine the role of this variant in disease conclusively. Therefore, this variant is classified as a Variant of Uncertain Significance.

This study involves interpretation of variants in research participants for the purpose of population health screening. Participant phenotype was not available at the time of variant classification. Additional details can be found in publication PMID: 35346344, PMCID: PMC8962531

Ambry Genetics
Classification: Uncertain significance for Hereditary cancer-predisposing syndrome. Last evaluated: 2024-03-19. Review status: criteria provided, single submitter. Criteria: Ambry Variant Classification Scheme 2023. Collection method: clinical testing. Allele origin: germline.
Comment: The p.P633S variant (also known as c.1897C>T), located in coding exon 9 of the BRCA1 gene, results from a C to T substitution at nucleotide position 1897. The proline at codon 633 is replaced by serine, an amino acid with similar properties. This amino acid position is not well conserved in available vertebrate species. In addition, this alteration is predicted to be tolerated by in silico analysis. Since supporting evidence is limited at this time, the clinical significance of this alteration remains unclear.

GeneDx
Classification: Uncertain significance. Last evaluated: 2023-08-14. Review status: criteria provided, single submitter. Criteria: GeneDx Variant Classification Process June 2021. Collection method: clinical testing. Allele origin: germline. Affected: yes.
Comment: Observed in an individual that underwent BRCA1 and BRCA2 genetic testing for a personal or family history suggestive of Hereditary Breast and Ovarian Cancer (Judkins et al., 2005); In silico analysis supports that this missense variant has a deleterious effect on protein structure/function; Not observed at significant frequency in large population cohorts (gnomAD); Also known as 2016C>T; This variant is associated with the following publications: (PMID: 16267036, 23704879, 15235020, 15343273, 31131967)

University of Washington Department of Laboratory Medicine, University of Washington
Classification: Likely benign for Hereditary cancer-predisposing syndrome. Last evaluated: 2023-03-23. Review status: criteria provided, single submitter. Criteria: Dines et al. (Genet Med. 2020). Collection method: curation. Allele origin: germline.
Comment: Missense variant in a coldspot region where missense variants are very unlikely to be pathogenic (PMID:31911673).

BRCA1 coldspot (exon 11 using historical exon numbering). Reclassification based on statistical prior probability

PreventionGenetics, part of Exact Sciences
Classification: Uncertain significance for BRCA1-related condition. Last evaluated: 2022-09-30. Review status: criteria provided, single submitter. Criteria: ACMG Guidelines, 2015. Collection method: clinical testing. Allele origin: germline.
Comment: The BRCA1 c.1897C>T variant is predicted to result in the amino acid substitution p.Pro633Ser. Computational analyses suggest that this variant, and another variant impacting the same amino acid [c.1897C>A (p.Pro633Thr)], lead to altered phosphorylation motifs in BRCA1 (Table 1, Tram et al. 2013. PubMed ID: 23704879). To our knowledge, this variant has not been reported in a large population database, indicating this variant is rare. This variant has conflicting interpretations regarding its pathogenic in ClinVar, ranging from uncertain to likely benign. At this time, the clinical significance of this variant is uncertain due to the absence of conclusive functional and genetic evidence.

BRCAlab, Lund University
Classification: Likely benign for Breast-ovarian cancer, familial, susceptibility to, 1. Last evaluated: 2024-02-02. Review status: no assertion criteria provided. Collection method: clinical testing. Allele origin: germline. Affected: yes. Not counted in ClinVar's aggregate classification.

Mayo Clinic Laboratories, Mayo Clinic
Classification: Uncertain significance. Last evaluated: 2018-02-26. Review status: no assertion criteria provided. Collection method: clinical testing. Allele origin: unknown. Not counted in ClinVar's aggregate classification.

Counsyl
Classification: Uncertain significance for Breast-ovarian cancer, familial, susceptibility to, 1. Last evaluated: 2015-12-18. Review status: no assertion criteria provided. Collection method: clinical testing. Allele origin: unknown. Not counted in ClinVar's aggregate classification.

Sharing Clinical Reports Project (SCRP)
Classification: Benign for Breast-ovarian cancer, familial 1. Last evaluated: 2012-06-01. Review status: no assertion criteria provided. Collection method: clinical testing. Allele origin: germline. Not counted in ClinVar's aggregate classification.

Breast Cancer Information Core (BIC) (BRCA1)
Classification: Uncertain significance for Breast-ovarian cancer, familial 1. Last evaluated: 2001-10-29. Review status: no assertion criteria provided. Collection method: clinical testing. Allele origin: germline. Affected: yes. Observed: 2 variant alleles. Not counted in ClinVar's aggregate classification.

Literature cited by the submitters: PubMed 32546644 (cited by Women's Health and Genetics/Laboratory Corporation of America, LabCorp); PubMed 31911673 (cited by Quest Diagnostics Nichols Institute San Juan Capistrano); PubMed 23704879 (cited by Quest Diagnostics Nichols Institute San Juan Capistrano and Counsyl); PubMed 15385441 (cited by Quest Diagnostics Nichols Institute San Juan Capistrano and Counsyl); PubMed 16267036 (cited by Quest Diagnostics Nichols Institute San Juan Capistrano and Counsyl); PubMed 33471991 (cited by Quest Diagnostics Nichols Institute San Juan Capistrano and All of Us Research Program, National Institutes of Health); PubMed 31131967 (cited by Quest Diagnostics Nichols Institute San Juan Capistrano and All of Us Research Program, National Institutes of Health); PubMed 15235020 (cited by Counsyl).